The following is an entry in ClinVar:

NM_001008212.2(OPTN):c.1666C>T (p.Pro556Ser)

Gene: OPTN (optineurin; plus strand). Cytogenetic location: 10p13.
Variant type: single nucleotide variant.
Coding change: c.1666C>T on transcript NM_001008212.2 (MANE Select); coding-DNA position 1666, C replaced by T.
Protein change: p.Pro556Ser; replaces proline 556 with serine.
Molecular consequence: missense variant.
Genome position (GRCh38, 1-based): chr10:13,136,798, C>T. VCF-style: chr10-13136798-C-T. GRCh37 (hg19) VCF-style: chr10-13178798-C-T.
Other names: c.1666C>T, p.Pro556Ser (NM_001008211.1, NM_001008213.1, NM_021980.4); short protein forms P556S.
Identifiers: ClinVar variation 2023290 (VCV002023290.4), dbSNP rs2539087117, ClinGen allele CA376030751.

ClinVar aggregate classification (germline): Uncertain significance (1 of 4 stars; one submission).

Conditions:
Primary open angle glaucoma (POAG). Also called: OPTN-related open angle glaucoma. Identifiers: MedGen C0339573, MONDO:0100553, OMIM 137760.
Glaucoma 1, open angle, E. Identifiers: MedGen C1842026, MONDO:0007665.
Amyotrophic lateral sclerosis type 12 (ALS12). Also called: AMYOTROPHIC LATERAL SCLEROSIS 12 WITH OR WITHOUT FRONTOTEMPORAL DEMENTIA. Identifiers: Orphanet 803, MedGen C3150692, MONDO:0013264, OMIM 613435.

Submission:

Labcorp Genetics (formerly Invitae), Labcorp
Classification: Uncertain significance for Primary open angle glaucoma; Glaucoma 1, open angle, E; Amyotrophic lateral sclerosis type 12. Last evaluated: 2021-12-01. Review status: criteria provided, single submitter. Criteria: Invitae Variant Classification Sherloc (09022015). Collection method: clinical testing. Allele origin: germline.
Comment: This sequence change replaces proline, which is neutral and non-polar, with serine, which is neutral and polar, at codon 556 of the OPTN protein (p.Pro556Ser). This variant is not present in population databases (gnomAD no frequency). This variant has not been reported in the literature in individuals affected with OPTN-related conditions. Algorithms developed to predict the effect of missense changes on protein structure and function (SIFT, PolyPhen-2, Align-GVGD) all suggest that this variant is likely to be disruptive. In summary, the available evidence is currently insufficient to determine the role of this variant in disease. Therefore, it has been classified as a Variant of Uncertain Significance.